The following is an entry in ClinVar:

NM_018480.7(TMEM126B):c.204-3T>A

Gene: TMEM126B (transmembrane protein 126B; plus strand). Cytogenetic location: 11q14.1.
Variant type: single nucleotide variant.
Coding change: c.204-3T>A on transcript NM_018480.7 (MANE Select); 3 bases into the intron before coding-DNA position 204, T replaced by A.
Molecular consequence: intron variant.
Genome position (GRCh38, 1-based): chr11:85,634,083, T>A. VCF-style: chr11-85634083-T-A. GRCh37 (hg19) VCF-style: chr11-85345127-T-A.
Other names: c.144-3T>A (NM_001193537.3, NM_001350395.2); c.114-3T>A (NM_001256546.2, NM_001193538.3, NM_001350396.2); c.66-3T>A (NM_001256547.2); c.82-3T>A (NM_001350393.1); c.204-3T>A (NM_001350394.2).
Identifiers: ClinVar variation 3375628 (VCV003375628.1).
Genomic context (GRCh38, chr11:85,634,083, plus strand): 5'-GGAGAGGCTGTATCCATTAAGTTCAATGGTATAGTGAACTGAATTTTTCTTTTTTTCTAT[T>A]AGGACACAAAATATATATCAAATGGCGACATTTGGAACAACAGCTGGTTTCTCTGGAATA-3'

ClinVar aggregate classification (germline): Uncertain significance (1 of 4 stars; one submission).

Submission:

GeneDx
Classification: Uncertain significance. Last evaluated: 2024-05-09. Review status: criteria provided, single submitter. Criteria: GeneDx Variant Classification Process June 2021. Collection method: clinical testing. Allele origin: germline. Affected: yes.
Comment: Not observed at significant frequency in large population cohorts (gnomAD); In silico analysis indicates that this variant does not alter splicing; Has not been previously published as pathogenic or benign to our knowledge